The following is an entry in ClinVar:

NM_001367624.2(ZNF469):c.4425C>A (p.Asn1475Lys)

Gene: ZNF469 (zinc finger protein 469; plus strand). Cytogenetic location: 16q24.2.
Variant type: single nucleotide variant.
Coding change: c.4425C>A on transcript NM_001367624.2 (MANE Select); coding-DNA position 4425, C replaced by A.
Protein change: p.Asn1475Lys; replaces asparagine 1475 with lysine.
Molecular consequence: missense variant.
Genome position (GRCh38, 1-based): chr16:88,431,895, C>A. VCF-style: chr16-88431895-C-A. GRCh37 (hg19) VCF-style: chr16-88498303-C-A.
Other names: short protein forms N1475K.
Identifiers: ClinVar variation 1716942 (VCV001716942.5), dbSNP rs1411336902, ClinGen allele CA397091874.
Genomic context (GRCh38, chr16:88,431,895, plus strand): 5'-CTTCCCAGACCTGCCGGTGGACAGATTCGACCCACCCCTCTATGGCAGCCTGTCTGCGAA[C>A]AGGGACTCCGGTCTGCCGTTCGCATGTGCCGACCCTCCCCAGAAGACGGTGCCGTCAGAT-3'
Protein context (NP_001354553.1, residues 1465-1485): DPPLYGSLSA[Asn1475Lys]RDSGLPFACA

ClinVar aggregate classification (germline): Uncertain significance (1 of 4 stars; one submission).

Submission:

Labcorp Genetics (formerly Invitae), Labcorp
Classification: Uncertain significance. Last evaluated: 2022-08-19. Review status: criteria provided, single submitter. Criteria: Invitae Variant Classification Sherloc (09022015). Collection method: clinical testing. Allele origin: germline.
Comment: In summary, the available evidence is currently insufficient to determine the role of this variant in disease. Therefore, it has been classified as a Variant of Uncertain Significance. Algorithms developed to predict the effect of missense changes on protein structure and function (SIFT, PolyPhen-2, Align-GVGD) all suggest that this variant is likely to be tolerated. This variant has not been reported in the literature in individuals affected with ZNF469-related conditions. This variant is not present in population databases (gnomAD no frequency). This sequence change replaces asparagine, which is neutral and polar, with lysine, which is basic and polar, at codon 1447 of the ZNF469 protein (p.Asn1447Lys).